The following is an entry in ClinVar:

ClinVar aggregate classification (germline): Uncertain significance. Review status: criteria provided, multiple submitters, no conflicts (2 of 4 stars). 4 submissions from 4 submitters: Uncertain significance (4). Last evaluated 2026-01-08.

Conditions:
POLD1-related polyposis and colorectal cancer syndrome (CRCS10). Also called: Colorectal cancer, susceptibility to, 10; Colorectal cancer 10; COLORECTAL CANCER, SUSCEPTIBILITY TO, ON CHROMOSOME 19q. Identifiers: Orphanet 220460, MedGen C2675481, MONDO:0012953, OMIM 612591.
Hereditary cancer-predisposing syndrome. Also called: Neoplastic Syndromes, Hereditary; Hereditary neoplastic syndrome; Hereditary Cancer Syndrome; Tumor predisposition. Identifiers: Orphanet 140162, MedGen C0027672, MeSH D009386, MONDO:0015356.

Allele frequency attached by ClinVar (database versions not stated): gnomAD exomes 0.00001; ExAC 0.00002; gnomAD 0.00003.
gnomAD v4.1: 20 of 1,613,406 alleles (0.0012%); highest among the groups gnomAD compares: East Asian, 0.011%; no homozygotes.

Submissions (4):

Labcorp Genetics (formerly Invitae), Labcorp
Classification: Uncertain significance for POLD1-related polyposis and colorectal cancer syndrome. Last evaluated: 2026-01-08. Review status: criteria provided, single submitter. Criteria: Invitae Variant Classification Sherloc (09022015). Collection method: clinical testing. Allele origin: germline.
Comment: This sequence change replaces proline, which is neutral and non-polar, with leucine, which is neutral and non-polar, at codon 680 of the POLD1 protein (p.Pro680Leu). This variant is present in population databases (rs765557862, gnomAD 0.006%). This variant has not been reported in the literature in individuals affected with POLD1-related conditions. ClinVar contains an entry for this variant (Variation ID: 408061). Invitae Evidence Modeling of protein sequence and biophysical properties (such as structural, functional, and spatial information, amino acid conservation, physicochemical variation, residue mobility, and thermodynamic stability) indicates that this missense variant is expected to disrupt POLD1 protein function with a positive predictive value of 80%. In summary, the available evidence is currently insufficient to determine the role of this variant in disease. Therefore, it has been classified as a Variant of Uncertain Significance.

Mayo Clinic Laboratories, Mayo Clinic
Classification: Uncertain significance. Last evaluated: 2025-08-29. Review status: criteria provided, single submitter. Criteria: ACMG Guidelines, 2015. Collection method: clinical testing. Allele origin: germline. Observed: 1 variant allele.

Ambry Genetics
Classification: Uncertain significance for Hereditary cancer-predisposing syndrome. Last evaluated: 2025-02-06. Review status: criteria provided, single submitter. Criteria: Ambry Variant Classification Scheme 2023. Collection method: clinical testing. Allele origin: germline.
Comment: The p.P680L variant (also known as c.2039C>T), located in coding exon 16 of the POLD1 gene, results from a C to T substitution at nucleotide position 2039. The proline at codon 680 is replaced by leucine, an amino acid with similar properties. This amino acid position is conserved. In addition, this alteration is predicted to be tolerated by in silico analysis. Based on the available evidence, the clinical significance of this variant remains unclear.

GeneDx
Classification: Uncertain significance. Last evaluated: 2024-07-30. Review status: criteria provided, single submitter. Criteria: GeneDx Variant Classification Process June 2021. Collection method: clinical testing. Allele origin: germline. Affected: yes.
Comment: Observed in an individual with breast cancer (PMID: 32091409); In silico analysis supports that this missense variant has a deleterious effect on protein structure/function; Not observed at significant frequency in large population cohorts (gnomAD); This variant is associated with the following publications: (PMID: 32091409)

NM_002691.4(POLD1):c.2039C>T (p.Pro680Leu)

Gene: POLD1 (DNA polymerase delta 1, catalytic subunit; plus strand). Cytogenetic location: 19q13.33.
Variant type: single nucleotide variant.
Coding change: c.2039C>T on transcript NM_002691.4 (MANE Select); coding-DNA position 2039, C replaced by T.
Protein change: p.Pro680Leu; replaces proline 680 with leucine.
Molecular consequence: missense variant. On other transcripts: non-coding transcript variant (1).
Genome position (GRCh38, 1-based): chr19:50,409,551, C>T. VCF-style: chr19-50409551-C-T. GRCh37 (hg19) VCF-style: chr19-50912808-C-T.
Other names: p.Pro680Leu; c.2039C>T (NM_002691.2); c.2039C>T, p.Pro680Leu (NM_001256849.1); c.2117C>T, p.Pro706Leu (NM_001308632.1); short protein forms P680L, P706L.
Identifiers: ClinVar variation 408061 (VCV000408061.18), dbSNP rs765557862, ClinGen allele CA9596373.
Genomic context (GRCh38, chr19:50,409,551, plus strand): 5'-AGTGTGCTTTCCCCGTGTTCCCTCGCAGGGCCAAGGCCGAGCTGGCCAAGGAGACAGACC[C>T]CCTCCGGCGCCAGGTCCTGGATGGACGGCAGCTGGCGCTGAAGGTGAGCGCCAACTCCGT-3'
Protein context (NP_002682.2, residues 670-690): AKAELAKETD[Pro680Leu]LRRQVLDGRQ